The following is an entry in ClinVar:

NM_001042492.3(NF1):c.28del (p.Val10fs)

Genes: MIR4733HG (MIR4733 host gene; minus strand), NF1 (neurofibromin 1; plus strand), LOC111811965 (NF1 (neurofibromin 1) promoter region; plus strand). Cytogenetic location: 17q11.2.
Variant type: Deletion.
Coding change: c.28del on transcript NM_001042492.3 (MANE Select); coding-DNA position 28, one base deleted (G; older notation c.28delG).
Protein change: p.Val10fs; shifts the reading frame from valine 10.
Molecular consequence: frameshift variant. On other transcripts: non-coding transcript variant (1).
Genome position (GRCh38, 1-based): chr17:31,095,337, G deleted; the last of 3 consecutive G bases (chr17:31,095,335-31,095,337); deleting any one gives the same sequence. VCF-style (leftmost placement, unchanged base first): chr17-31095334-TG-T. GRCh37 (hg19) VCF-style: chr17-29422352-TG-T.
Other names: c.28delG, p.Val10Serfs (NM_000267.4); c.28del, p.Val10fs (NM_001128147.3); short protein forms V10fs.
Identifiers: ClinVar variation 2770238 (VCV002770238.3), dbSNP rs2544511271, ClinGen allele CA2697559661.
Genomic context (GRCh38, chr17:31,095,334, plus strand): 5'-CCCTTCCCTCCGCCGCCCCCCGGCCGCGGGGAGGACATGGCCGCGCACAGGCCGGTGGAA[TG>T]GGTCCAGGCCGTGGTCAGCCGCTTCGACGAGCAGGTAACCGGCCCGTGGCGGGCGGGAGG-3'

ClinVar aggregate classification (germline): Pathogenic (1 of 4 stars; one submission).

Conditions:
Neurofibromatosis, type 1 (NF1). Also called: VON RECKLINGHAUSEN DISEASE; Neurofibromatosis, type I; NEUROFIBROMATOSIS, TYPE I, SOMATIC; Peripheral type neurofibromatosis. Identifiers: Orphanet 636, MedGen C0027831, MONDO:0018975, OMIM 162200. Disease mechanism: loss of function.

Submission:

Labcorp Genetics (formerly Invitae), Labcorp
Classification: Pathogenic for Neurofibromatosis, type 1. Last evaluated: 2023-10-20. Review status: criteria provided, single submitter. Criteria: Invitae Variant Classification Sherloc (09022015). Collection method: clinical testing. Allele origin: germline.
Comment: This sequence change creates a premature translational stop signal (p.Val10Serfs*14) in the NF1 gene. It is expected to result in an absent or disrupted protein product. Loss-of-function variants in NF1 are known to be pathogenic (PMID: 10712197, 23913538). This variant is not present in population databases (gnomAD no frequency). This variant has not been reported in the literature in individuals affected with NF1-related conditions. For these reasons, this variant has been classified as Pathogenic.

Literature cited by the submitters: PubMed 10712197; PubMed 23913538.